The following is an entry in ClinVar:

NM_001378687.1(ATP2C1):c.*998C>T

Gene: ATP2C1 (ATPase secretory pathway Ca2+ transporting 1; plus strand). Cytogenetic location: 3q22.1.
Variant type: single nucleotide variant.
Coding change: c.*998C>T on transcript NM_001378687.1 (MANE Select); 998 bases downstream of the stop codon, C replaced by T.
Molecular consequence: 3 prime UTR variant. On other transcripts: intron variant (11).
Genome position (GRCh38, 1-based): chr3:131,002,348, C>T. VCF-style: chr3-131002348-C-T. GRCh37 (hg19) VCF-style: chr3-130721192-C-T.
Other names: c.*998C>T (NM_001199179.3, NM_001199181.3, NM_001199184.3 and 1 more transcripts); c.2856+1004C>T (NM_001378511.1); c.2826+1034C>T (NM_001199180.2); c.2739+1004C>T (NM_001199182.2); c.2754+1004C>T (NM_001001486.2, NM_001378512.1); c.2724+1034C>T (NM_001001487.2, NM_001378513.1); c.2629+2689C>T (NM_001001485.3, NM_001199185.2); c.2706+1004C>T (NM_001378514.1); and 1 more.
Identifiers: ClinVar variation 343342 (VCV000343342.5), dbSNP rs116671177, ClinGen allele CA10615328.

ClinVar aggregate classification (germline): Benign (1 of 4 stars; one submission).

Conditions:
Familial benign pemphigus (HHD). Identifiers: Orphanet 2841, MedGen C0085106, MONDO:0008218, OMIM 169600.

Allele frequency attached by ClinVar (database versions not stated): gnomAD exomes 0.00017; gnomAD 0.00217 and 0.00231; TOPMed 0.00236; 1000 Genomes Project 0.00240; 1000 Genomes Project 30x 0.00281.
gnomAD v4.1: 469 of 985,142 alleles (0.048%); highest among the groups gnomAD compares: African/African-American, 0.77%; no homozygotes.

Submission:

Illumina Laboratory Services, Illumina
Classification: Benign for Familial benign pemphigus. Last evaluated: 2018-01-12. Review status: criteria provided, single submitter. Criteria: ICSL Variant Classification Criteria 13 December 2019. Collection method: clinical testing. Allele origin: germline.
Comment: This variant was observed in the ICSL laboratory as part of a predisposition screen in an ostensibly healthy population. It had not been previously curated by ICSL or reported in the Human Gene Mutation Database (HGMD: prior to June 1st, 2018), and was therefore a candidate for classification through an automated scoring system. Utilizing variant allele frequency, disease prevalence and penetrance estimates, and inheritance mode, an automated score was calculated to assess if this variant is too frequent to cause the disease. Based on the score and internal cut-off values, a variant classified as benign is not then subjected to further curation. The score for this variant resulted in a classification of benign for this disease.